The following is an entry in ClinVar:

ClinVar aggregate classification (germline): Uncertain significance. Review status: criteria provided, multiple submitters, no conflicts (2 of 4 stars). 2 submissions from 2 submitters: Uncertain significance (2). Last evaluated 2021-11-01.

Conditions:
Renal cell carcinoma. Identifiers: Orphanet 217071, MedGen C0007134, MeSH D002292, MONDO:0005086, HP:0005584.
Arthrogryposis, distal, IIa 11. Also called: Arthrogryposis, distal, type 11. Identifiers: MedGen C5774205, MONDO:0031045, OMIM 620019.
Osteofibrous dysplasia (OSFD). Also called: Tibia, bowing of, with pseudarthrosis and pectus excavatum. Identifiers: Orphanet 488265, MedGen C4085248, MONDO:0011806, OMIM 607278.
Papillary renal cell carcinoma type 1 (RCCP1). Also called: RENAL CELL CARCINOMA, PAPILLARY, 1, SOMATIC; Renal adenocarcinoma; Renal cell carcinoma 1; Renal cell carcinoma, somatic. Identifiers: Orphanet 47044, MedGen C1336839, OMIM 605074, HP:0011797.
Autosomal recessive nonsyndromic hearing loss 97. Also called: Deafness, autosomal recessive 97. Identifiers: Orphanet 90636, MedGen C4084709, MONDO:0014739, OMIM 616705.

Submissions (2):

Department of Pathology and Laboratory Medicine, Sinai Health System
Classification: Uncertain significance for Autosomal recessive nonsyndromic hearing loss 97; Arthrogryposis, distal, IIa 11; Papillary renal cell carcinoma type 1; Osteofibrous dysplasia. Last evaluated: 2021-11-01. Review status: criteria provided, single submitter. Criteria: ACMG Guidelines, 2015. Collection method: research. Allele origin: germline.

Labcorp Genetics (formerly Invitae), Labcorp
Classification: Uncertain significance for Renal cell carcinoma. Last evaluated: 2021-08-19. Review status: criteria provided, single submitter. Criteria: Invitae Variant Classification Sherloc (09022015). Collection method: clinical testing. Allele origin: germline.
Comment: This sequence change creates a premature translational stop signal (p.Glu25*) in the MET gene. It is expected to result in an absent or disrupted protein product. However, the current clinical and genetic evidence is not sufficient to establish whether loss-of-function variants in MET cause disease. This variant is not present in population databases (ExAC no frequency). This variant has not been reported in the literature in individuals affected with MET-related conditions. In summary, the available evidence is currently insufficient to determine the role of this variant in disease. Therefore, it has been classified as a Variant of Uncertain Significance.

NM_000245.4(MET):c.73G>T (p.Glu25Ter)

Gene: MET (MET proto-oncogene, receptor tyrosine kinase; plus strand). Cytogenetic location: 7q31.2.
Variant type: single nucleotide variant.
Coding change: c.73G>T on transcript NM_000245.4 (MANE Select); coding-DNA position 73, G replaced by T.
Protein change: p.Glu25Ter; replaces glutamic acid 25 with a stop codon.
Molecular consequence: nonsense. On other transcripts: intron variant (1).
Genome position (GRCh38, 1-based): chr7:116,699,157, G>T. VCF-style: chr7-116699157-G-T. GRCh37 (hg19) VCF-style: chr7-116339211-G-T.
Other names: c.73G>T, p.Glu25Ter (NM_001127500.3, NM_001324401.3); c.-91+26580G>T (NM_001324402.2); short protein forms E25*.
Identifiers: ClinVar variation 1461779 (VCV001461779.7), dbSNP rs2116579525, ClinGen allele CA368968280.